The following is an entry in ClinVar:

NM_013382.7(POMT2):c.1105C>T (p.Arg369Cys)

Gene: POMT2 (protein O-mannosyltransferase 2; minus strand). Cytogenetic location: 14q24.3.
Variant type: single nucleotide variant.
Coding change: c.1105C>T on transcript NM_013382.7 (MANE Select); coding-DNA position 1105, C replaced by T.
Protein change: p.Arg369Cys; replaces arginine 369 with cysteine.
Molecular consequence: missense variant.
Genome position (GRCh38, 1-based): chr14:77,296,175, G>A on the plus strand (C>T on the coding strand, the complement: POMT2 is on the minus strand). VCF-style: chr14-77296175-G-A. GRCh37 (hg19) VCF-style: chr14-77762518-G-A.
Other names: short protein forms R369C.
Identifiers: ClinVar variation 884797 (VCV000884797.7), dbSNP rs779190087, ClinGen allele CA7285988.

ClinVar aggregate classification (germline): Uncertain significance. Review status: criteria provided, multiple submitters, no conflicts (2 of 4 stars). 3 submissions from 3 submitters: Uncertain significance (3). Last evaluated 2024-09-24.

Conditions:
Autosomal recessive limb-girdle muscular dystrophy type 2N. Also called: Muscular dystrophy-dystroglycanopathy (limb-girdle), type C, 2; MUSCULAR DYSTROPHY-DYSTROGLYCANOPATHY, LIMB-GIRDLE, POMT2-RELATED. Identifiers: Orphanet 206559, MedGen C3150418, MONDO:0013162, OMIM 613158.
Muscular dystrophy-dystroglycanopathy (congenital with brain and eye anomalies), type A2. Also called: MUSCULAR DYSTROPHY-DYSTROGLYCANOPATHY (CONGENITAL WITH BRAIN AND EYE ANOMALIES), TYPE A, 2; WALKER-WARBURG SYNDROME OR MUSCLE-EYE-BRAIN DISEASE, POMT2-RELATED. Identifiers: Orphanet 588, Orphanet 899, MedGen C3150411, MONDO:0013154, OMIM 613150.
Muscular dystrophy-dystroglycanopathy (congenital with impaired intellectual development), type B, 2. Also called: MUSCULAR DYSTROPHY, CONGENITAL, POMT2-RELATED; Muscular dystrophy-dystroglycanopathy (congenital with intellectual disability), type B2. Identifiers: MedGen C3150416, MONDO:0013160, OMIM 613156.

Allele frequency attached by ClinVar (database versions not stated): gnomAD exomes 0.00002; ExAC 0.00006.
gnomAD v4.1: 16 of 1,602,716 alleles (0.001%); highest among the groups gnomAD compares: Middle Eastern, 0.033%; no homozygotes.

Submissions (3):

Revvity Omics, Revvity
Classification: Uncertain significance. Last evaluated: 2024-09-24. Review status: criteria provided, single submitter. Criteria: ACMG Guidelines, 2015. Collection method: clinical testing. Allele origin: germline.

Labcorp Genetics (formerly Invitae), Labcorp
Classification: Uncertain significance for Muscular dystrophy-dystroglycanopathy (congenital with impaired intellectual development), type B, 2; Muscular dystrophy-dystroglycanopathy (congenital with brain and eye anomalies), type A2; Autosomal recessive limb-girdle muscular dystrophy type 2N. Last evaluated: 2022-01-31. Review status: criteria provided, single submitter. Criteria: Invitae Variant Classification Sherloc (09022015). Collection method: clinical testing. Allele origin: germline.
Comment: This sequence change replaces arginine, which is basic and polar, with cysteine, which is neutral and slightly polar, at codon 369 of the POMT2 protein (p.Arg369Cys). The frequency data for this variant in the population databases is considered unreliable, as metrics indicate poor data quality at this position in the gnomAD database. This variant has not been reported in the literature in individuals affected with POMT2-related conditions. ClinVar contains an entry for this variant (Variation ID: 884797). Algorithms developed to predict the effect of missense changes on protein structure and function are either unavailable or do not agree on the potential impact of this missense change (SIFT: "Deleterious"; PolyPhen-2: "Probably Damaging"; Align-GVGD: "Class C0"). In summary, the available evidence is currently insufficient to determine the role of this variant in disease. Therefore, it has been classified as a Variant of Uncertain Significance.

Illumina Laboratory Services, Illumina
Classification: Uncertain significance for Autosomal recessive limb-girdle muscular dystrophy type 2N. Last evaluated: 2017-04-28. Review status: criteria provided, single submitter. Criteria: ICSL Variant Classification Criteria 13 December 2019. Collection method: clinical testing. Allele origin: germline.